The following is an entry in ClinVar:

ClinVar aggregate classification (germline): Uncertain significance (1 of 4 stars; one submission).

Allele frequency attached by ClinVar (database versions not stated): gnomAD 0.00001 and 0.00002; gnomAD exomes 0.00001; TOPMed 0.00001; 1000 Genomes Project 30x 0.00016; 1000 Genomes Project 0.00020.
gnomAD v4.1: 11 of 1,613,874 alleles (0.00068%); highest among the groups gnomAD compares: Admixed American, 0.0083%; no homozygotes.

Submission:

Labcorp Genetics (formerly Invitae), Labcorp
Classification: Uncertain significance. Last evaluated: 2021-12-03. Review status: criteria provided, single submitter. Criteria: Invitae Variant Classification Sherloc (09022015). Collection method: clinical testing. Allele origin: germline.
Comment: Algorithms developed to predict the effect of missense changes on protein structure and function are either unavailable or do not agree on the potential impact of this missense change (SIFT: "Tolerated"; PolyPhen-2: "Possibly Damaging"; Align-GVGD: "Class C0"). In summary, the available evidence is currently insufficient to determine the role of this variant in disease. Therefore, it has been classified as a Variant of Uncertain Significance. This sequence change replaces histidine, which is basic and polar, with arginine, which is basic and polar, at codon 110 of the VPS33A protein (p.His110Arg). This variant has not been reported in the literature in individuals affected with VPS33A-related conditions. This variant is present in population databases (rs562930947, gnomAD 0.006%).

NM_022916.6(VPS33A):c.329A>G (p.His110Arg)

Gene: VPS33A (VPS33A core subunit of CORVET and HOPS complexes; minus strand). Cytogenetic location: 12q24.31.
Variant type: single nucleotide variant.
Coding change: c.329A>G on transcript NM_022916.6 (MANE Select); coding-DNA position 329, A replaced by G.
Protein change: p.His110Arg; replaces histidine 110 with arginine.
Molecular consequence: missense variant.
Genome position (GRCh38, 1-based): chr12:122,261,415, T>C on the plus strand (A>G on the coding strand, the complement: VPS33A is on the minus strand). VCF-style: chr12-122261415-T-C. GRCh37 (hg19) VCF-style: chr12-122745962-T-C.
Other names: c.296A>G, p.His99Arg (NM_001351018.2); c.281A>G, p.His94Arg (NM_001351019.2); c.329A>G, p.His110Arg (NM_001351020.2, NM_001351021.2); short protein forms H94R, H99R, H110R.
Identifiers: ClinVar variation 1370245 (VCV001370245.8), dbSNP rs562930947, ClinGen allele CA6844623.